The following is an entry in ClinVar:

ClinVar aggregate classification (germline): Uncertain significance (1 of 4 stars; one submission).

Submission:

Labcorp Genetics (formerly Invitae), Labcorp
Classification: Uncertain significance. Last evaluated: 2023-06-20. Review status: criteria provided, single submitter. Criteria: Invitae Variant Classification Sherloc (09022015). Collection method: clinical testing. Allele origin: germline.
Comment: In summary, the available evidence is currently insufficient to determine the role of this variant in disease. Therefore, it has been classified as a Variant of Uncertain Significance. An algorithm developed to predict the effect of missense changes on protein structure and function (PolyPhen-2) suggests that this variant is likely to be disruptive. This variant has not been reported in the literature in individuals affected with MSH3-related conditions. This variant is not present in population databases (gnomAD no frequency). This sequence change replaces threonine, which is neutral and polar, with arginine, which is basic and polar, at codon 282 of the MSH3 protein (p.Thr282Arg).

NM_002439.5(MSH3):c.845C>G (p.Thr282Arg)

Gene: MSH3 (mutS homolog 3; plus strand). Cytogenetic location: 5q14.1.
Variant type: single nucleotide variant.
Coding change: c.845C>G on transcript NM_002439.5 (MANE Select); coding-DNA position 845, C replaced by G.
Protein change: p.Thr282Arg; replaces threonine 282 with arginine.
Molecular consequence: missense variant.
Genome position (GRCh38, 1-based): chr5:80,672,296, C>G. VCF-style: chr5-80672296-C-G. GRCh37 (hg19) VCF-style: chr5-79968115-C-G.
Other names: short protein forms T282R.
Identifiers: ClinVar variation 2719605 (VCV002719605.3), dbSNP rs202184623, ClinGen allele CA360267169.
Genomic context (GRCh38, chr5:80,672,296, plus strand): 5'-TTTTTTAGATTGCAGCCCGAGAGCTCAATATTTATTGCCATTTAGATCACAACTTTATGA[C>G]AGCAAGTATACCTACTCACAGACTGTTTGTTCATGTACGCCGCCTGGTGGCAAAAGGATA-3'
Protein context (NP_002430.3, residues 272-292): IYCHLDHNFM[Thr282Arg]ASIPTHRLFV